The following is an entry in ClinVar:

NM_007118.4(TRIO):c.6657+1G>C

Gene: TRIO (trio Rho guanine nucleotide exchange factor; plus strand). Cytogenetic location: 5p15.2.
Variant type: single nucleotide variant.
Coding change: c.6657+1G>C on transcript NM_007118.4 (MANE Select); the canonical splice donor site of the intron after coding-DNA position 6657, G replaced by C.
Molecular consequence: splice donor variant.
Genome position (GRCh38, 1-based): chr5:14,482,774, G>C. VCF-style: chr5-14482774-G-C. GRCh37 (hg19) VCF-style: chr5-14482883-G-C.
Identifiers: ClinVar variation 3252800 (VCV003252800.1), dbSNP rs2477404831.

ClinVar aggregate classification (germline): Uncertain significance (1 of 4 stars; one submission).

Submission:

GeneDx
Classification: Uncertain significance. Last evaluated: 2023-10-05. Review status: criteria provided, single submitter. Criteria: GeneDx Variant Classification Process June 2021. Collection method: clinical testing. Allele origin: germline. Affected: yes.
Comment: Has not been previously published as pathogenic or benign to our knowledge; Canonical splice site variant predicted to result in an in-frame loss of the adjacent exon in a gene for which loss of function is a known mechanism of disease; Not observed at significant frequency in large population cohorts (gnomAD)